The following is an entry in ClinVar:

ClinVar aggregate classification (germline): Uncertain significance (1 of 4 stars; one submission).

Submission:

Ambry Genetics
Classification: Uncertain significance. Last evaluated: 2022-12-16. Review status: criteria provided, single submitter. Criteria: Ambry Variant Classification Scheme 2023. Collection method: clinical testing. Allele origin: germline.
Comment: The p.S381N variant (also known as c.1142G>A), located in coding exon 10 of the BUB1 gene, results from a G to A substitution at nucleotide position 1142. The serine at codon 381 is replaced by asparagine, an amino acid with highly similar properties. This amino acid position is conserved. In addition, this alteration is predicted to be tolerated by in silico analysis. Since supporting evidence is limited at this time, the clinical significance of this alteration remains unclear.

NM_004336.5(BUB1):c.1142G>A (p.Ser381Asn)

Gene: BUB1 (BUB1 mitotic checkpoint serine/threonine kinase; minus strand). Cytogenetic location: 2q13.
Variant type: single nucleotide variant.
Coding change: c.1142G>A on transcript NM_004336.5 (MANE Select); coding-DNA position 1142, G replaced by A.
Protein change: p.Ser381Asn; replaces serine 381 with asparagine.
Molecular consequence: missense variant.
Genome position (GRCh38, 1-based): chr2:110,661,657, C>T on the plus strand (G>A on the coding strand, the complement: BUB1 is on the minus strand). VCF-style: chr2-110661657-C-T. GRCh37 (hg19) VCF-style: chr2-111419234-C-T.
Other names: c.1082G>A, p.Ser361Asn (NM_001278616.2); c.1142G>A, p.Ser381Asn (NM_001278617.2); short protein forms S361N, S381N.
Identifiers: ClinVar variation 2451240 (VCV002451240.2), dbSNP rs2468017330, ClinGen allele CA348214326.